The following is an entry in ClinVar:

NM_022051.3(EGLN1):c.733A>G (p.Ser245Gly)

Gene: EGLN1 (egl-9 family hypoxia inducible factor 1; minus strand). Cytogenetic location: 1q42.2.
Variant type: single nucleotide variant.
Coding change: c.733A>G on transcript NM_022051.3 (MANE Select); coding-DNA position 733, A replaced by G.
Protein change: p.Ser245Gly; replaces serine 245 with glycine.
Molecular consequence: missense variant.
Genome position (GRCh38, 1-based): chr1:231,421,156, T>C on the plus strand (A>G on the coding strand, the complement: EGLN1 is on the minus strand). VCF-style: chr1-231421156-T-C. GRCh37 (hg19) VCF-style: chr1-231556902-T-C.
Other names: c.733A>G, p.Ser245Gly (NM_001377260.1, NM_001377261.1); short protein forms S245G.
Identifiers: ClinVar variation 1758398 (VCV001758398.3), dbSNP rs942442095, ClinGen allele CA38948436.

ClinVar aggregate classification (germline): Uncertain significance (1 of 4 stars; one submission).

Submission:

Ambry Genetics
Classification: Uncertain significance. Last evaluated: 2024-12-20. Review status: criteria provided, single submitter. Criteria: Ambry Variant Classification Scheme 2023. Collection method: clinical testing. Allele origin: germline.
Comment: The p.S245G variant (also known as c.733A>G), located in coding exon 1 of the EGLN1 gene, results from an A to G substitution at nucleotide position 733. The serine at codon 245 is replaced by glycine, an amino acid with similar properties. This amino acid position is conserved. In addition, this alteration is predicted to be tolerated by in silico analysis. Since supporting evidence is limited at this time, the clinical significance of this alteration remains unclear.